The following is an entry in ClinVar:

ClinVar aggregate classification (germline): Uncertain significance (1 of 4 stars; one submission).

Allele frequency attached by ClinVar (database versions not stated): TOPMed 0.00003; gnomAD exomes 0.00004; ExAC 0.00005; gnomAD 0.00005; ESP Exome Variant Server 0.00008.
gnomAD v4.1: 63 of 1,604,806 alleles (0.0039%); highest among the groups gnomAD compares: Non-Finnish European, 0.005%; no homozygotes.

Submission:

CeGaT Center for Human Genetics Tuebingen
Classification: Uncertain significance. Last evaluated: 2022-10-01. Review status: criteria provided, single submitter. Criteria: CeGaT Center For Human Genetics Tuebingen Variant Classification Criteria Version 2. Collection method: clinical testing. Allele origin: germline. Affected: yes. Observed: 1 variant allele.
Comment: SIN3B: PM2, BP4

NM_001297595.2(SIN3B):c.3218G>A (p.Arg1073His)

Gene: SIN3B (SIN3 transcription regulator family member B; plus strand). Cytogenetic location: 19p13.11.
Variant type: single nucleotide variant.
Coding change: c.3218G>A on transcript NM_001297595.2 (MANE Select); coding-DNA position 3218, G replaced by A.
Protein change: p.Arg1073His; replaces arginine 1073 with histidine.
Molecular consequence: missense variant.
Genome position (GRCh38, 1-based): chr19:16,878,552, G>A. VCF-style: chr19-16878552-G-A. GRCh37 (hg19) VCF-style: chr19-16989363-G-A.
Other names: c.1988G>A, p.Arg663His (NM_001297597.2); c.3314G>A, p.Arg1105His (NM_015260.4); short protein forms R1073H, R1105H, R663H.
Identifiers: ClinVar variation 2649522 (VCV002649522.24), dbSNP rs141001345, ClinGen allele CA9283728.
Genomic context (GRCh38, chr19:16,878,552, plus strand): 5'-AACAGGTGCAGCCCCTGGTCCTGCTCCGCCACCACCAGCACTTTGAGGAGTGGCACAGCC[G>A]CTGGCTGGAGGACAATGTGACGGTGGAGGCGGCTAGCCTGGTGCAGGACTGGCTGATGGG-3'
Protein context (NP_001284524.1, residues 1063-1083): HHQHFEEWHS[Arg1073His]WLEDNVTVEA